The following is an entry in ClinVar:

NM_000264.5(PTCH1):c.4255C>A (p.Arg1419=)

Gene: PTCH1 (patched 1; minus strand). Cytogenetic location: 9q22.32.
Variant type: single nucleotide variant.
Coding change: c.4255C>A on transcript NM_000264.5 (MANE Select); coding-DNA position 4255, C replaced by A.
Protein change: p.Arg1419=; no amino-acid change (arginine 1419 retained).
Molecular consequence: synonymous variant. On other transcripts: non-coding transcript variant (1).
Genome position (GRCh38, 1-based): chr9:95,447,001, G>T on the plus strand (C>A on the coding strand, the complement: PTCH1 is on the minus strand). VCF-style: chr9-95447001-G-T. GRCh37 (hg19) VCF-style: chr9-98209283-G-T.
Other names: c.4057C>A, p.Arg1353= (NM_001083602.3); c.4252C>A, p.Arg1418= (NM_001083603.3); c.3802C>A, p.Arg1268= (NM_001083604.3, NM_001083605.3, NM_001083606.3 and 1 more transcripts); c.4099C>A, p.Arg1367= (NM_001354918.2).
Identifiers: ClinVar variation 486193 (VCV000486193.20), dbSNP rs139942632, ClinGen allele CA5137911.

ClinVar aggregate classification (germline): Conflicting classifications of pathogenicity. Review status: criteria provided, conflicting classifications (1 of 4 stars). 6 submissions from 6 submitters: Uncertain significance (1); Likely benign (5). Last evaluated 2026-05-01.

Conditions:
Hereditary cancer-predisposing syndrome. Also called: Tumor predisposition; Hereditary neoplastic syndrome; Neoplastic Syndromes, Hereditary; Hereditary Cancer Syndrome. Identifiers: Orphanet 140162, MedGen C0027672, MeSH D009386, MONDO:0015356.
PTCH1-related disorder. Also called: PTCH1-related disorders; PTCH1-related condition.
Gorlin syndrome. Also called: Basal cell nevus syndrome; Nevoid Basal Cell Carcinoma Syndrome. Identifiers: Orphanet 377, MedGen C0004779, MONDO:0007187.

Allele frequency attached by ClinVar (database versions not stated): TOPMed 0.00002.
gnomAD v4.1: 36 of 1,614,054 alleles (0.0022%); highest among the groups gnomAD compares: Non-Finnish European, 0.0029%; no homozygotes.

Submissions (6):

Dasa
Classification: Likely benign. Last evaluated: 2026-05-01. Review status: criteria provided, single submitter. Criteria: DASA Assertion Criteria. Collection method: clinical testing. Allele origin: germline.
Comment: NM_000264.5(PTCH1):c.4255C>A (p.Arg1419=) is a synonymous variant predicted not to alter the encoded amino acid sequence. Population frequency is inconsistent with a disease-causing role for this variant. Therefore, based on the currently available evidence, this variant is classified as likely benign.

Labcorp Genetics (formerly Invitae), Labcorp
Classification: Likely benign for Gorlin syndrome. Last evaluated: 2026-01-19. Review status: criteria provided, single submitter. Criteria: Invitae Variant Classification Sherloc (09022015). Collection method: clinical testing. Allele origin: germline.

Center for Genomic Medicine, Rigshospitalet, Copenhagen University Hospital
Classification: Likely benign. Last evaluated: 2025-12-29. Review status: criteria provided, single submitter. Criteria: ACMG Guidelines, 2015. Collection method: clinical testing. Allele origin: germline.

Women's Health and Genetics/Laboratory Corporation of America, LabCorp
Classification: Likely benign. Last evaluated: 2025-05-27. Review status: criteria provided, single submitter. Criteria: LabCorp Variant Classification Summary - May 2015. Collection method: clinical testing. Allele origin: germline.

PreventionGenetics, part of Exact Sciences
Classification: Uncertain significance for PTCH1-related condition. Last evaluated: 2023-08-09. Review status: criteria provided, single submitter. Criteria: ACMG Guidelines, 2015. Collection method: clinical testing. Allele origin: germline.
Comment: The PTCH1 c.4255C>A variant is not predicted to result in an amino acid change (p.=). This variant is predicted to enhance a cryptic splice site based on available splicing prediction programs (Alamut Visual Plus v1.6.1). However, such computer prediction programs are imperfect. To our knowledge, this variant has not been reported in the literature. This variant is reported in 0.0035% of alleles in individuals of European (Non-Finnish) descent in gnomAD and is reported as likely benign in ClinVar. At this time, the clinical significance of this variant is uncertain due to the absence of conclusive functional and genetic evidence.

Ambry Genetics
Classification: Likely benign for Hereditary cancer-predisposing syndrome. Last evaluated: 2017-09-05. Review status: criteria provided, single submitter. Criteria: Ambry Variant Classification Scheme 2023. Collection method: clinical testing. Allele origin: germline.